The following is an entry in ClinVar:

NM_003482.4(KMT2D):c.14136G>A (p.Glu4712=)

Gene: KMT2D (lysine methyltransferase 2D; minus strand). Cytogenetic location: 12q13.12.
Variant type: single nucleotide variant.
Coding change: c.14136G>A on transcript NM_003482.4 (MANE Select); coding-DNA position 14136, G replaced by A.
Protein change: p.Glu4712=; no amino-acid change (glutamic acid 4712 retained).
Molecular consequence: synonymous variant.
Genome position (GRCh38, 1-based): chr12:49,029,176, C>T on the plus strand (G>A on the coding strand, the complement: KMT2D is on the minus strand). VCF-style: chr12-49029176-C-T. GRCh37 (hg19) VCF-style: chr12-49422959-C-T.
Identifiers: ClinVar variation 3356382 (VCV003356382.1).

ClinVar aggregate classification (germline): Likely benign (0 of 4 stars; one submission).

Conditions:
KMT2D-related disorder. Also called: KMT2D-Related Disorders.

gnomAD v4.1: 5 of 1,613,966 alleles (0.00031%); highest among the groups gnomAD compares: Admixed American, 0.0067%; no homozygotes.

Submission:

PreventionGenetics, part of Exact Sciences
Classification: Likely benign for KMT2D-related condition. Last evaluated: 2024-07-15. Review status: no assertion criteria provided. Collection method: clinical testing. Allele origin: germline.
Comment: This variant is classified as likely benign based on ACMG/AMP sequence variant interpretation guidelines (Richards et al. 2015 PMID: 25741868, with internal and published modifications).